The following is an entry in ClinVar:

NM_001007228.2(SPOP):c.61A>T (p.Ser21Cys)

Gene: SPOP (speckle type BTB/POZ protein; minus strand). Cytogenetic location: 17q21.33.
Variant type: single nucleotide variant.
Coding change: c.61A>T on transcript NM_001007228.2 (MANE Select); coding-DNA position 61, A replaced by T.
Protein change: p.Ser21Cys; replaces serine 21 with cysteine.
Molecular consequence: missense variant.
Genome position (GRCh38, 1-based): chr17:49,622,750, T>A on the plus strand (A>T on the coding strand, the complement: SPOP is on the minus strand). VCF-style: chr17-49622750-T-A. GRCh37 (hg19) VCF-style: chr17-47700112-T-A.
Other names: c.61A>T, p.Ser21Cys (NM_001007226.1, NM_001007227.1, NM_001007229.1 and 5 more transcripts); short protein forms S21C.
Identifiers: ClinVar variation 3343226 (VCV003343226.1).

ClinVar aggregate classification (germline): Uncertain significance (1 of 4 stars; one submission).

Submission:

GeneDx
Classification: Uncertain significance. Last evaluated: 2023-05-04. Review status: criteria provided, single submitter. Criteria: GeneDx Variant Classification Process June 2021. Collection method: clinical testing. Allele origin: germline. Affected: yes.
Comment: Not observed at significant frequency in large population cohorts (gnomAD); In silico analysis supports that this missense variant has a deleterious effect on protein structure/function; Has not been previously published as pathogenic or benign to our knowledge